The following is an entry in ClinVar:

ClinVar aggregate classification (germline): Benign/Likely benign (0 of 4 stars; one submission).

Submission:

ISCA Site 6
Classification: Benign/Likely benign. Review status: no assertion criteria provided. Collection method: clinical testing. Allele origin: unknown. Affected: yes. Observed: 2 variant alleles.
Comment: Likely benign (1), Benign (1)

Copy number variation identified through the course of routine clinical cytogenomic testing in postnatal populations, with clinical assertions as classified by the original submitter. For data from the original published study, Kaminsky, et al. 2011 (PubMed 21844811), please see nstd101.

GRCh37/hg19 20q13.33(chr20:61040925-61121437)x3

Gene: GATA5 (GATA binding protein 5; minus strand). Cytogenetic location: 20q13.33.
Variant type: copy number gain.
Change: copy number 3 (three copies instead of two) of chr20:61,040,925-61,121,437 (80.5 kb, GRCh37 coordinates, 1-based), cytogenetic band 20q13.33.
Identifiers: ClinVar variation 393727 (VCV000393727.3).